The following is an entry in ClinVar:

ClinVar aggregate classification (germline): Uncertain significance. Review status: criteria provided, multiple submitters, no conflicts (2 of 4 stars). 2 submissions from 2 submitters: Uncertain significance (2). Last evaluated 2023-06-15.

Conditions:
Hereditary cancer-predisposing syndrome. Also called: Tumor predisposition; Hereditary Cancer Syndrome; Hereditary neoplastic syndrome; Neoplastic Syndromes, Hereditary. Identifiers: Orphanet 140162, MedGen C0027672, MeSH D009386, MONDO:0015356.
Hereditary pheochromocytoma and paraganglioma. Also called: Hereditary paragangliomas and pheochromocytomas; Hereditary Paraganglioma-Pheochromocytoma Syndromes; Hereditary pheochromocytoma-paraganglioma. Identifiers: Orphanet 29072, MedGen C4274332, MONDO:0017366.

Allele frequency attached by ClinVar (database versions not stated): gnomAD 0.00001.
gnomAD v4.1: 1 of 1,613,942 alleles (0.000062%); highest among the groups gnomAD compares: Non-Finnish European, 0.000085%; no homozygotes.

Submissions (2):

Ambry Genetics
Classification: Uncertain significance for Hereditary cancer-predisposing syndrome. Last evaluated: 2023-06-15. Review status: criteria provided, single submitter. Criteria: Ambry Variant Classification Scheme 2023. Collection method: clinical testing. Allele origin: germline.
Comment: The p.D135E variant (also known as c.405T>A), located in coding exon 5 of the MAX gene, results from a T to A substitution at nucleotide position 405. The aspartic acid at codon 135 is replaced by glutamic acid, an amino acid with highly similar properties. This amino acid position is conserved. In addition, the in silico prediction for this alteration is inconclusive. Since supporting evidence is limited at this time, the clinical significance of this alteration remains unclear.

Labcorp Genetics (formerly Invitae), Labcorp
Classification: Uncertain significance for Hereditary pheochromocytoma and paraganglioma. Last evaluated: 2021-11-30. Review status: criteria provided, single submitter. Criteria: Invitae Variant Classification Sherloc (09022015). Collection method: clinical testing. Allele origin: germline.
Comment: In summary, the available evidence is currently insufficient to determine the role of this variant in disease. Therefore, it has been classified as a Variant of Uncertain Significance. Algorithms developed to predict the effect of sequence changes on RNA splicing suggest that this variant may create or strengthen a splice site. Algorithms developed to predict the effect of missense changes on protein structure and function (SIFT, PolyPhen-2, Align-GVGD) all suggest that this variant is likely to be tolerated. This variant has not been reported in the literature in individuals affected with MAX-related conditions. This variant is not present in population databases (gnomAD no frequency). This sequence change replaces aspartic acid, which is acidic and polar, with glutamic acid, which is acidic and polar, at codon 135 of the MAX protein (p.Asp135Glu).

NM_002382.5(MAX):c.405T>A (p.Asp135Glu)

Gene: MAX (MYC associated transcriptional regulator X; minus strand). Cytogenetic location: 14q23.3.
Variant type: single nucleotide variant.
Coding change: c.405T>A on transcript NM_002382.5 (MANE Select); coding-DNA position 405, T replaced by A.
Protein change: p.Asp135Glu; replaces aspartic acid 135 with glutamic acid.
Molecular consequence: missense variant. On other transcripts: intron variant (2), 3 prime UTR variant (1).
Genome position (GRCh38, 1-based): chr14:65,076,554, A>T on the plus strand (T>A on the coding strand, the complement: MAX is on the minus strand). VCF-style: chr14-65076554-A-T. GRCh37 (hg19) VCF-style: chr14-65543272-A-T.
Other names: c.216T>A, p.Asp72Glu (NM_001320415.2, NM_001407105.1, NM_001407106.1 and 1 more transcripts); c.405T>A, p.Asp135Glu (NM_001407094.1); c.378T>A, p.Asp126Glu (NM_001407095.1, NM_145112.3); c.*178T>A (NM_001407096.1, NM_001407099.1, NM_001407102.1 and 2 more transcripts); c.*194T>A (NM_001407097.1, NM_001407100.1, NM_001407101.1 and 4 more transcripts); c.297T>A, p.Asp99Glu (NM_001407098.1); c.204T>A, p.Asp68Glu (NM_001407111.1, NM_001407112.1); c.171+17154T>A (NM_197957.4); and 1 more; short protein forms D72E, D126E, D135E, D68E, D99E.
Identifiers: ClinVar variation 1495955 (VCV001495955.8), dbSNP rs1354621995, ClinGen allele CA390031528.